The following is an entry in ClinVar:

NM_000350.3(ABCA4):c.2288C>A (p.Ala763Asp)

Gene: ABCA4 (ATP binding cassette subfamily A member 4; minus strand). Cytogenetic location: 1p22.1.
Variant type: single nucleotide variant.
Coding change: c.2288C>A on transcript NM_000350.3 (MANE Select); coding-DNA position 2288, C replaced by A.
Protein change: p.Ala763Asp; replaces alanine 763 with aspartic acid.
Molecular consequence: missense variant.
Genome position (GRCh38, 1-based): chr1:94,056,695, G>T on the plus strand (C>A on the coding strand, the complement: ABCA4 is on the minus strand). VCF-style: chr1-94056695-G-T. GRCh37 (hg19) VCF-style: chr1-94522251-G-T.
Other names: short protein forms A763D.
Identifiers: ClinVar variation 1513718 (VCV001513718.6), dbSNP rs1660985994, ClinGen allele CA341277844.

ClinVar aggregate classification (germline): Likely pathogenic (1 of 4 stars; one submission).

Submission:

Labcorp Genetics (formerly Invitae), Labcorp
Classification: Likely pathogenic. Last evaluated: 2022-01-11. Review status: criteria provided, single submitter. Criteria: Invitae Variant Classification Sherloc (09022015). Collection method: clinical testing. Allele origin: germline.
Comment: In summary, the currently available evidence indicates that the variant is pathogenic, but additional data are needed to prove that conclusively. Therefore, this variant has been classified as Likely Pathogenic. Advanced modeling of protein sequence and biophysical properties (such as structural, functional, and spatial information, amino acid conservation, physicochemical variation, residue mobility, and thermodynamic stability) performed at Invitae indicates that this missense variant is expected to disrupt ABCA4 protein function. This missense change has been observed in individuals with clinical features of Stargardt disease and/or cone rod dystrophy (Invitae). This variant is not present in population databases (gnomAD no frequency). This sequence change replaces alanine, which is neutral and non-polar, with aspartic acid, which is acidic and polar, at codon 763 of the ABCA4 protein (p.Ala763Asp).